The following is an entry in ClinVar:

NM_024675.4(PALB2):c.1093A>G (p.Arg365Gly)

Gene: PALB2 (partner and localizer of BRCA2; minus strand). Cytogenetic location: 16p12.2.
Variant type: single nucleotide variant.
Coding change: c.1093A>G on transcript NM_024675.4 (MANE Select); coding-DNA position 1093, A replaced by G.
Protein change: p.Arg365Gly; replaces arginine 365 with glycine.
Molecular consequence: missense variant.
Genome position (GRCh38, 1-based): chr16:23,635,453, T>C on the plus strand (A>G on the coding strand, the complement: PALB2 is on the minus strand). VCF-style: chr16-23635453-T-C. GRCh37 (hg19) VCF-style: chr16-23646774-T-C.
Other names: short protein forms R365G.
Identifiers: ClinVar variation 185438 (VCV000185438.27), dbSNP rs773001248, ClinGen allele CA191954.

ClinVar aggregate classification (germline): Conflicting classifications of pathogenicity. Review status: criteria provided, conflicting classifications (1 of 4 stars). 10 submissions from 10 submitters: Uncertain significance (8); Likely benign (1). 1 of the submissions does not count toward it. Last evaluated 2026-04-01.

Conditions:
Inherited breast cancer and ovarian cancer.
Hereditary cancer-predisposing syndrome. Also called: Tumor predisposition; Neoplastic Syndromes, Hereditary; Hereditary Cancer Syndrome; Hereditary neoplastic syndrome. Identifiers: Orphanet 140162, MedGen C0027672, MeSH D009386, MONDO:0015356.
Fanconi anemia complementation group N. Also called: PALB2-Related Fanconi Anemia. Identifiers: Orphanet 84, MedGen C1835817, MONDO:0012565, OMIM 610832. Disease mechanism: loss of function.
Familial cancer of breast. Also called: hereditary breast carcinoma; BREAST CANCER, FAMILIAL; Hereditary breast cancer. Identifiers: Orphanet 227535, MedGen C0346153, MONDO:0016419, OMIM 114480. Disease mechanism: loss of function.
Pancreatic cancer, susceptibility to, 3. Identifiers: Orphanet 1333, MedGen C3150547, MONDO:0013236, OMIM 613348.

Allele frequency attached by ClinVar (database versions not stated): ExAC 0.00001; gnomAD exomes 0.00002.

Submissions (10):

CeGaT Center for Human Genetics Tuebingen
Classification: Uncertain significance. Last evaluated: 2026-04-01. Review status: criteria provided, single submitter. Criteria: CeGaT Center For Human Genetics Tuebingen Variant Classification Criteria Version 2. Collection method: clinical testing. Allele origin: germline. Affected: yes. Observed: 1 variant allele.
Comment: PALB2: PM2, BP4

Cambridge Genomics Laboratory, East Genomic Laboratory Hub, NHS Genomic Medicine Service
Classification: Uncertain significance for Inherited breast cancer and ovarian cancer. Last evaluated: 2025-12-18. Review status: criteria provided, single submitter. Criteria: ACGS Best Practice Guidelines for Variant Classification in Rare Disease 2020. Collection method: clinical testing. Allele origin: germline. Affected: yes.

Labcorp Genetics (formerly Invitae), Labcorp
Classification: Uncertain significance for Familial cancer of breast. Last evaluated: 2025-10-19. Review status: criteria provided, single submitter. Criteria: Invitae Variant Classification Sherloc (09022015). Collection method: clinical testing. Allele origin: germline.
Comment: This sequence change replaces arginine, which is basic and polar, with glycine, which is neutral and non-polar, at codon 365 of the PALB2 protein (p.Arg365Gly). This variant is present in population databases (rs773001248, gnomAD 0.004%). This missense change has been observed in individual(s) with breast and/or ovarian cancer (PMID: 28779002, 37686625). ClinVar contains an entry for this variant (Variation ID: 185438). Invitae Evidence Modeling of protein sequence and biophysical properties (such as structural, functional, and spatial information, amino acid conservation, physicochemical variation, residue mobility, and thermodynamic stability) indicates that this missense variant is not expected to disrupt PALB2 protein function with a negative predictive value of 80%. In summary, the available evidence is currently insufficient to determine the role of this variant in disease. Therefore, it has been classified as a Variant of Uncertain Significance.

Ambry Genetics
Classification: Likely benign for Hereditary cancer-predisposing syndrome. Last evaluated: 2025-03-03. Review status: criteria provided, single submitter. Criteria: Ambry Variant Classification Scheme 2023. Collection method: clinical testing. Allele origin: germline.

Color Diagnostics, LLC DBA Color Health
Classification: Uncertain significance for Hereditary cancer-predisposing syndrome. Last evaluated: 2024-01-30. Review status: criteria provided, single submitter. Criteria: ACMG Guidelines, 2015. Collection method: clinical testing. Allele origin: germline.
Comment: This missense variant replaces arginine with glycine at codon 365 of the PALB2 protein. Computational prediction suggests that this variant may not impact protein structure and function. To our knowledge, functional studies have not been reported for this variant. This variant has been reported in an individual affected with breast and/or ovarian cancer (PMID: 37686625) and also detected in a breast cancer case-control study in 3/13087 cases and absent in 5488 unaffected individuals (PMID: 28779002) and in a breast cancer case-control meta-analysis in 4/60466 cases and 1/53461 unaffected individuals (PMID: 33471991; Leiden Open Variation Database DB-ID PALB2_011084). This variant has been identified in 4/251368 chromosomes in the general population by the Genome Aggregation Database (gnomAD). The available evidence is insufficient to determine the role of this variant in disease conclusively. Therefore, this variant is classified as a Variant of Uncertain Significance.

Myriad Genetics, Inc.
Classification: Uncertain significance for Familial cancer of breast. Last evaluated: 2023-03-30. Review status: criteria provided, single submitter. Criteria: Myriad Autosomal Dominant, Autosomal Recessive and X-Linked Classification Criteria (2023). Collection method: clinical testing. Allele origin: unknown.
Comment: This variant is classified as a variant of uncertain significance as there is insufficient evidence to determine its impact on protein function and/or cancer risk.

Fulgent Genetics
Classification: Uncertain significance for Familial cancer of breast; Fanconi anemia complementation group N; Pancreatic cancer, susceptibility to, 3. Last evaluated: 2021-12-28. Review status: criteria provided, single submitter. Criteria: ACMG Guidelines, 2015. Collection method: clinical testing. Allele origin: unknown.

GeneDx
Classification: Uncertain significance. Last evaluated: 2020-02-14. Review status: criteria provided, single submitter. Criteria: GeneDx Variant Classification Process June 2021. Collection method: clinical testing. Allele origin: germline. Affected: yes.
Comment: Not observed at a significant frequency in large population cohorts (Lek 2016); In silico analysis supports that this missense variant has a deleterious effect on protein structure/function; Observed in individuals with breast cancer (Decker 2017); This variant is associated with the following publications: (PMID: 28779002)

Mendelics
Classification: Uncertain significance for Hereditary cancer-predisposing syndrome. Last evaluated: 2018-07-02. Review status: criteria provided, single submitter. Criteria: Mendelics Assertion Criteria 2017. Collection method: clinical testing. Allele origin: unknown.

Counsyl
Classification: Uncertain significance for Familial cancer of breast. Last evaluated: 2017-03-15. Review status: no assertion criteria provided. Collection method: clinical testing. Allele origin: unknown. Not counted in ClinVar's aggregate classification.

Literature cited by the submitters: PubMed 28779002 (cited by 3 submitters); PubMed 37686625 (cited by Labcorp Genetics (formerly Invitae), Labcorp and Color Diagnostics, LLC DBA Color Health); PubMed 33471991 (cited by Color Diagnostics, LLC DBA Color Health).